The following is an entry in ClinVar:

ClinVar aggregate classification (germline): Pathogenic (1 of 4 stars; one submission).

Conditions:
Severe myoclonic epilepsy in infancy (DRVT). Also called: Epileptic encephalopathy, early infantile, 6 (Dravet syndrome); SEVERE MYOCLONIC EPILEPSY OF INFANCY; DEVELOPMENTAL AND EPILEPTIC ENCEPHALOPATHY 6A; Severe Myoclonic Epilepsy in Infancy (SMEI); Dravet syndrome. Identifiers: Orphanet 33069, MedGen C0751122, MONDO:0100135, OMIM 607208.

Submission:

Center for Bioinformatics, Peking University
Classification: Pathogenic for Dravet syndrome. Last evaluated: 2014-12-20. Review status: criteria provided, single submitter. Criteria: Xu et al. (Hum Mutat. 2015). Collection method: research. Allele origin: de novo. Affected: yes. Observed: 1 variant allele. Study: University Clinical Cooperation “985 Project” PKU-2014-1-1.
Comment: Dravet syndrome (DS) probands were recruited from the outpatient and inpatient child neurology units of Peking University First Hospital from 2005 till present. The study was approved by the Ethics Committee of Peking University First Hospital and the Institutional Review Board at Peking University. Participants or their parents provided written informed consent before enrollment. We collected a total of 267 mutations from 255 families with probands diagnosed with DS in China. All probands fulfilled the clinical diagnostic criteria.

NM_001165963.4(SCN1A):c.4934G>C (p.Arg1645Pro)

Genes: SCN1A (sodium voltage-gated channel alpha subunit 1; minus strand), LOC102724058 (uncharacterized LOC102724058; plus strand). Cytogenetic location: 2q24.3.
Variant type: single nucleotide variant.
Coding change: c.4934G>C on transcript NM_001165963.4 (MANE Select); coding-DNA position 4934, G replaced by C.
Protein change: p.Arg1645Pro; replaces arginine 1645 with proline.
Molecular consequence: missense variant. On other transcripts: non-coding transcript variant (1).
Genome position (GRCh38, 1-based): chr2:165,992,341, C>G on the plus strand (G>C on the coding strand, the complement: SCN1A is on the minus strand). VCF-style: chr2-165992341-C-G. GRCh37 (hg19) VCF-style: chr2-166848851-C-G.
Other names: c.4850G>C, p.Arg1617Pro (NM_001165964.3, NM_001353957.2, NM_001353958.2); c.4934G>C, p.Arg1645Pro (NM_001202435.3, NM_001353948.2); c.4901G>C, p.Arg1634Pro (NM_001353949.2, NM_001353950.2, NM_001353951.2 and 2 more transcripts); c.4898G>C, p.Arg1633Pro (NM_001353954.2, NM_001353955.2); c.4847G>C, p.Arg1616Pro (NM_001353960.2); c.2492G>C, p.Arg831Pro (NM_001353961.2); short protein forms R1634P, R1645P, R1633P, R831P, R1616P, R1617P.
Identifiers: ClinVar variation 190005 (VCV000190005.1), dbSNP rs121917976, ClinGen allele CA303527.
Genomic context (GRCh38, chr2:165,992,341, plus strand): 5'-ATCATCAAAGCAAAGAGCAGCGTGCGGATCCCCTTTGCTCCTTTGATCAGACGTAGGATT[C>G]GGCCAATCCTAGCAAGACGGATCACTCGGAACAGGGTAGGGGACACGAAATACTTTTCTA-3'
Protein context (NP_001159435.1, residues 1635-1655): FRVIRLARIG[Arg1645Pro]ILRLIKGAKG